The following is an entry in ClinVar:

NM_031892.3(SH3KBP1):c.1334C>T (p.Ser445Leu)

Gene: SH3KBP1 (SH3 domain containing kinase binding protein 1; minus strand). Cytogenetic location: Xp22.12.
Variant type: single nucleotide variant.
Coding change: c.1334C>T on transcript NM_031892.3 (MANE Select); coding-DNA position 1334, C replaced by T.
Protein change: p.Ser445Leu; replaces serine 445 with leucine.
Molecular consequence: missense variant.
Genome position (GRCh38, 1-based): chrX:19,569,153, G>A on the plus strand (C>T on the coding strand, the complement: SH3KBP1 is on the minus strand). VCF-style: chrX-19569153-G-A. GRCh37 (hg19) VCF-style: chrX-19587271-G-A.
Other names: c.1223C>T, p.Ser408Leu (NM_001024666.3); c.620C>T, p.Ser207Leu (NM_001184960.2, NM_001353897.2); c.1334C>T, p.Ser445Leu (NM_001353890.2); c.1409C>T, p.Ser470Leu (NM_001353891.2, NM_001353892.2); c.1232C>T, p.Ser411Leu (NM_001353893.2, NM_001353894.2); c.1289C>T, p.Ser430Leu (NM_001353895.2); c.1466C>T, p.Ser489Leu (NM_001410756.1, NM_001410757.1); c.1157C>T, p.Ser386Leu (NM_001410758.1); short protein forms S386L, S430L, S207L, S411L, S470L, S489L, S408L, S445L.
Identifiers: ClinVar variation 2892646 (VCV002892646.3), dbSNP rs199599962, ClinGen allele CA10364569.

ClinVar aggregate classification (germline): Uncertain significance (1 of 4 stars; one submission).

Allele frequency attached by ClinVar (database versions not stated): ExAC 0.00001; TOPMed 0.00002; gnomAD exomes 0.00001; gnomAD 0.00003.
gnomAD v4.1: 16 of 1,209,956 alleles (0.0013%); highest among the groups gnomAD compares: Admixed American, 0.011%; no homozygotes.

Submission:

Labcorp Genetics (formerly Invitae), Labcorp
Classification: Uncertain significance. Last evaluated: 2025-05-15. Review status: criteria provided, single submitter. Criteria: Invitae Variant Classification Sherloc (09022015). Collection method: clinical testing. Allele origin: germline.
Comment: This sequence change replaces serine, which is neutral and polar, with leucine, which is neutral and non-polar, at codon 445 of the SH3KBP1 protein (p.Ser445Leu). This variant is present in population databases (rs199599962, gnomAD 0.008%). This variant has not been reported in the literature in individuals affected with SH3KBP1-related conditions. ClinVar contains an entry for this variant (Variation ID: 2892646). Invitae Evidence Modeling of protein sequence and biophysical properties (such as structural, functional, and spatial information, amino acid conservation, physicochemical variation, residue mobility, and thermodynamic stability) indicates that this missense variant is not expected to disrupt SH3KBP1 protein function with a negative predictive value of 80%. In summary, the available evidence is currently insufficient to determine the role of this variant in disease. Therefore, it has been classified as a Variant of Uncertain Significance.